The following is an entry in ClinVar:

NM_001376.5(DYNC1H1):c.10694G>C (p.Ser3565Thr)

Gene: DYNC1H1 (dynein cytoplasmic 1 heavy chain 1; plus strand). Cytogenetic location: 14q32.31.
Variant type: single nucleotide variant.
Coding change: c.10694G>C on transcript NM_001376.5 (MANE Select); coding-DNA position 10694, G replaced by C.
Protein change: p.Ser3565Thr; replaces serine 3565 with threonine.
Molecular consequence: missense variant.
Genome position (GRCh38, 1-based): chr14:102,034,392, G>C. VCF-style: chr14-102034392-G-C. GRCh37 (hg19) VCF-style: chr14-102500729-G-C.
Other names: short protein forms S3565T.
Identifiers: ClinVar variation 2919513 (VCV002919513.3), dbSNP rs547814062, ClinGen allele CA266970406.
Genomic context (GRCh38, chr14:102,034,392, plus strand): 5'-CAGATATTGCCAGGACGGAATACCTTTCCAATGCTGATGAGCGTCTTCGCTGGCAGGCCA[G>C]CTCCTTGCCTGCTGATGACCTTTGCACAGAAAATGCCATCATGCTGAAACGATTCAATAG-3'
Protein context (NP_001367.2, residues 3555-3575): NADERLRWQA[Ser3565Thr]SLPADDLCTE

ClinVar aggregate classification (germline): Uncertain significance (1 of 4 stars; one submission).

Conditions:
Charcot-Marie-Tooth disease axonal type 2O. Also called: CHARCOT-MARIE-TOOTH NEUROPATHY, AXONAL, TYPE 2O; CHARCOT-MARIE-TOOTH DISEASE, AXONAL, AUTOSOMAL DOMINANT, TYPE 2O; Charcot-Marie-Tooth Neuropathy Type 2O; Charcot-Marie-Tooth disease, axonal, type 20. Identifiers: Orphanet 284232, MedGen C3280220, MONDO:0013644, OMIM 614228.

gnomAD v4.1: 3 of 1,613,984 alleles (0.00019%); highest among the groups gnomAD compares: Non-Finnish European, 0.00025%; no homozygotes.

Submission:

Labcorp Genetics (formerly Invitae), Labcorp
Classification: Uncertain significance for Charcot-Marie-Tooth disease axonal type 2O. Last evaluated: 2023-08-15. Review status: criteria provided, single submitter. Criteria: Invitae Variant Classification Sherloc (09022015). Collection method: clinical testing. Allele origin: germline.
Comment: This sequence change replaces serine, which is neutral and polar, with threonine, which is neutral and polar, at codon 3565 of the DYNC1H1 protein (p.Ser3565Thr). This variant is not present in population databases (gnomAD no frequency). This variant has not been reported in the literature in individuals affected with DYNC1H1-related conditions. Advanced modeling of protein sequence and biophysical properties (such as structural, functional, and spatial information, amino acid conservation, physicochemical variation, residue mobility, and thermodynamic stability) performed at Invitae indicates that this missense variant is not expected to disrupt DYNC1H1 protein function. In summary, the available evidence is currently insufficient to determine the role of this variant in disease. Therefore, it has been classified as a Variant of Uncertain Significance.